The following is an entry in ClinVar:

NM_033026.6(PCLO):c.9142G>A (p.Glu3048Lys)

Gene: PCLO (piccolo presynaptic cytomatrix protein; minus strand). Cytogenetic location: 7q21.11.
Variant type: single nucleotide variant.
Coding change: c.9142G>A on transcript NM_033026.6 (MANE Select); coding-DNA position 9142, G replaced by A.
Protein change: p.Glu3048Lys; replaces glutamic acid 3048 with lysine.
Molecular consequence: missense variant.
Genome position (GRCh38, 1-based): chr7:82,951,446, C>T on the plus strand (G>A on the coding strand, the complement: PCLO is on the minus strand). VCF-style: chr7-82951446-C-T. GRCh37 (hg19) VCF-style: chr7-82580762-C-T.
Other names: c.9142G>A, p.Glu3048Lys (NM_014510.3); short protein forms E3048K.
Identifiers: ClinVar variation 3688966 (VCV003688966.2).
Genomic context (GRCh38, chr7:82,951,446, plus strand): 5'-TTCTTGCTGTGGAATACTGTGGGGTACTAATCCCAGCTCCTGAAATGACTTGTCGTGTTT[C>T]TGGATATGGACCTGTAGTCTTGCTTGAATAATCCATTACCTCACCTGAAATACAGGGCAG-3'
Protein context (NP_149015.2, residues 3038-3058): YSSKTTGPYP[Glu3048Lys]TRQVISGAGI

ClinVar aggregate classification (germline): Uncertain significance (1 of 4 stars; one submission).

gnomAD v4.1: 3 of 1,587,786 alleles (0.00019%); highest among the groups gnomAD compares: African/African-American, 0.004%; no homozygotes.

Submission:

Labcorp Genetics (formerly Invitae), Labcorp
Classification: Uncertain significance. Last evaluated: 2024-06-11. Review status: criteria provided, single submitter. Criteria: Invitae Variant Classification Sherloc (09022015). Collection method: clinical testing. Allele origin: germline.
Comment: This sequence change replaces glutamic acid, which is acidic and polar, with lysine, which is basic and polar, at codon 3048 of the PCLO protein (p.Glu3048Lys). This variant is not present in population databases (gnomAD no frequency). This variant has not been reported in the literature in individuals affected with PCLO-related conditions. Experimental studies and prediction algorithms are not available or were not evaluated, and the functional significance of this variant is currently unknown. Algorithms developed to predict the effect of sequence changes on RNA splicing suggest that this variant may disrupt the consensus splice site. In summary, the available evidence is currently insufficient to determine the role of this variant in disease. Therefore, it has been classified as a Variant of Uncertain Significance.